The following is an entry in ClinVar:

ClinVar aggregate classification (germline): Uncertain significance (1 of 4 stars; one submission).

Allele frequency attached by ClinVar (database versions not stated): gnomAD exomes below 0.00001.
gnomAD v4.1: 4 of 1,614,024 alleles (0.00025%); highest among the groups gnomAD compares: Non-Finnish European, 0.00025%; no homozygotes.

Submission:

Labcorp Genetics (formerly Invitae), Labcorp
Classification: Uncertain significance. Last evaluated: 2022-08-20. Review status: criteria provided, single submitter. Criteria: Invitae Variant Classification Sherloc (09022015). Collection method: clinical testing. Allele origin: germline.
Comment: This variant is not present in population databases (gnomAD no frequency). In summary, the available evidence is currently insufficient to determine the role of this variant in disease. Therefore, it has been classified as a Variant of Uncertain Significance. Advanced modeling of protein sequence and biophysical properties (such as structural, functional, and spatial information, amino acid conservation, physicochemical variation, residue mobility, and thermodynamic stability) performed at Invitae indicates that this missense variant is expected to disrupt FAT4 protein function. This variant has not been reported in the literature in individuals affected with FAT4-related conditions. This sequence change replaces aspartic acid, which is acidic and polar, with tyrosine, which is neutral and polar, at codon 2146 of the FAT4 protein (p.Asp2146Tyr).

NM_001291303.3(FAT4):c.6436G>T (p.Asp2146Tyr)

Gene: FAT4 (FAT atypical cadherin 4; plus strand). Cytogenetic location: 4q28.1.
Variant type: single nucleotide variant.
Coding change: c.6436G>T on transcript NM_001291303.3 (MANE Select); coding-DNA position 6436, G replaced by T.
Protein change: p.Asp2146Tyr; replaces aspartic acid 2146 with tyrosine.
Molecular consequence: missense variant.
Genome position (GRCh38, 1-based): chr4:125,415,399, G>T. VCF-style: chr4-125415399-G-T. GRCh37 (hg19) VCF-style: chr4-126336554-G-T.
Other names: c.6436G>T, p.Asp2146Tyr (NM_001291285.3, NM_024582.6); short protein forms D2146Y.
Identifiers: ClinVar variation 1717196 (VCV001717196.5), dbSNP rs2530781124, ClinGen allele CA358129485.